The following is an entry in ClinVar:

ClinVar aggregate classification (germline): Uncertain significance (1 of 4 stars; one submission).

Submission:

GeneDx
Classification: Uncertain significance. Last evaluated: 2024-07-09. Review status: criteria provided, single submitter. Criteria: GeneDx Variant Classification Process June 2021. Collection method: clinical testing. Allele origin: germline. Affected: yes.
Comment: Not observed at significant frequency in large population cohorts (gnomAD); In silico analysis indicates that this missense variant does not alter protein structure/function; Has not been previously published as pathogenic or benign to our knowledge

NM_001009944.3(PKD1):c.10186A>C (p.Met3396Leu)

Gene: PKD1 (polycystin 1, transient receptor potential channel interacting; minus strand). Cytogenetic location: 16p13.3.
Variant type: single nucleotide variant.
Coding change: c.10186A>C on transcript NM_001009944.3 (MANE Select); coding-DNA position 10186, A replaced by C.
Protein change: p.Met3396Leu; replaces methionine 3396 with leucine.
Molecular consequence: missense variant.
Genome position (GRCh38, 1-based): chr16:2,097,762, T>G on the plus strand (A>C on the coding strand, the complement: PKD1 is on the minus strand). VCF-style: chr16-2097762-T-G. GRCh37 (hg19) VCF-style: chr16-2147763-T-G.
Other names: c.10183A>C, p.Met3395Leu (NM_000296.4); short protein forms M3395L, M3396L.
Identifiers: ClinVar variation 3572614 (VCV003572614.1).